The following is an entry in ClinVar:

ClinVar aggregate classification (germline): Uncertain significance (1 of 4 stars; one submission).

Conditions:
Cardiovascular phenotype. Identifiers: MedGen CN230736.

Submission:

Ambry Genetics
Classification: Uncertain significance for Cardiovascular phenotype. Last evaluated: 2024-10-14. Review status: criteria provided, single submitter. Criteria: Ambry Variant Classification Scheme 2023. Collection method: clinical testing. Allele origin: germline.
Comment: The p.L451V variant (also known as c.1351C>G), located in coding exon 9 of the ABCG8 gene, results from a C to G substitution at nucleotide position 1351. The leucine at codon 451 is replaced by valine, an amino acid with highly similar properties. This amino acid position is conserved. In addition, this alteration is predicted to be tolerated by in silico analysis. Based on the available evidence, the clinical significance of this variant remains unclear.

NM_022437.3(ABCG8):c.1351C>G (p.Leu451Val)

Gene: ABCG8 (ATP binding cassette subfamily G member 8; plus strand). Cytogenetic location: 2p21.
Variant type: single nucleotide variant.
Coding change: c.1351C>G on transcript NM_022437.3 (MANE Select); coding-DNA position 1351, C replaced by G.
Protein change: p.Leu451Val; replaces leucine 451 with valine.
Molecular consequence: missense variant.
Genome position (GRCh38, 1-based): chr2:43,873,926, C>G. VCF-style: chr2-43873926-C-G. GRCh37 (hg19) VCF-style: chr2-44101065-C-G.
Other names: c.1348C>G, p.Leu450Val (NM_001357321.2); short protein forms L451V, L450V.
Identifiers: ClinVar variation 3419867 (VCV003419867.1).